The following is an entry in ClinVar:

ClinVar aggregate classification (germline): Uncertain significance (1 of 4 stars; one submission).

Conditions:
Nemaline myopathy 2 (NEM2). Also called: Nemaline myopathy 2, autosomal recessive. Identifiers: MedGen C1850569, MONDO:0009725, OMIM 256030.

Submission:

Labcorp Genetics (formerly Invitae), Labcorp
Classification: Uncertain significance for Nemaline myopathy 2. Last evaluated: 2021-05-12. Review status: criteria provided, single submitter. Criteria: Invitae Variant Classification Sherloc (09022015). Collection method: clinical testing. Allele origin: germline.
Comment: This sequence change replaces proline with glutamine at codon 24 of the NEB protein (p.Pro24Gln). The proline residue is moderately conserved and there is a moderate physicochemical difference between proline and glutamine. This variant is not present in population databases (ExAC no frequency). This variant has not been reported in the literature in individuals with NEB-related conditions. Algorithms developed to predict the effect of missense changes on protein structure and function are either unavailable or do not agree on the potential impact of this missense change (SIFT: "Deleterious"; PolyPhen-2: "Not Available"; Align-GVGD: "Class C0"). In summary, the available evidence is currently insufficient to determine the role of this variant in disease. Therefore, it has been classified as a Variant of Uncertain Significance.

NM_001164508.2(NEB):c.71C>A (p.Pro24Gln)

Gene: NEB (nebulin; minus strand). Cytogenetic location: 2q23.3.
Variant type: single nucleotide variant.
Coding change: c.71C>A on transcript NM_001164508.2 (MANE Select); coding-DNA position 71, C replaced by A.
Protein change: p.Pro24Gln; replaces proline 24 with glutamine.
Molecular consequence: missense variant.
Genome position (GRCh38, 1-based): chr2:151,729,622, G>T on the plus strand (C>A on the coding strand, the complement: NEB is on the minus strand). VCF-style: chr2-151729622-G-T. GRCh37 (hg19) VCF-style: chr2-152586136-G-T.
Other names: c.71C>A, p.Pro24Gln (NM_001164507.2, NM_001271208.2, NM_004543.5); short protein forms P24Q.
Identifiers: ClinVar variation 1949359 (VCV001949359.2), dbSNP rs185496567, ClinGen allele CA348796819.